The following is an entry in ClinVar:

ClinVar aggregate classification (germline): Uncertain significance (1 of 4 stars; one submission).

Allele frequency attached by ClinVar (database versions not stated): gnomAD 0.00001; TOPMed 0.00006.
gnomAD v4.1: 11 of 1,613,926 alleles (0.00068%); highest among the groups gnomAD compares: Admixed American, 0.01%; no homozygotes.

Submission:

Labcorp Genetics (formerly Invitae), Labcorp
Classification: Uncertain significance. Last evaluated: 2025-12-09. Review status: criteria provided, single submitter. Criteria: Invitae Variant Classification Sherloc (09022015). Collection method: clinical testing. Allele origin: germline.
Comment: This sequence change replaces arginine, which is basic and polar, with serine, which is neutral and polar, at codon 375 of the TNNI3K protein (p.Arg375Ser). This variant is present in population databases (no rsID available, gnomAD 0.01%). This variant has not been reported in the literature in individuals affected with TNNI3K-related conditions. ClinVar contains an entry for this variant (Variation ID: 1438688). Invitae Evidence Modeling of protein sequence and biophysical properties (such as structural, functional, and spatial information, amino acid conservation, physicochemical variation, residue mobility, and thermodynamic stability) indicates that this missense variant is not expected to disrupt TNNI3K protein function with a negative predictive value of 80%. In summary, the available evidence is currently insufficient to determine the role of this variant in disease. Therefore, it has been classified as a Variant of Uncertain Significance.

NM_015978.3(TNNI3K):c.1125G>C (p.Arg375Ser)

Genes: TNNI3K (TNNI3 interacting kinase; plus strand), FPGT-TNNI3K (FPGT-TNNI3K readthrough; plus strand). Cytogenetic location: 1p31.1.
Variant type: single nucleotide variant.
Coding change: c.1125G>C on transcript NM_015978.3 (MANE Select); coding-DNA position 1125, G replaced by C.
Protein change: p.Arg375Ser; replaces arginine 375 with serine.
Molecular consequence: missense variant.
Genome position (GRCh38, 1-based): chr1:74,354,077, G>C. VCF-style: chr1-74354077-G-C. GRCh37 (hg19) VCF-style: chr1-74819761-G-C.
Other names: c.1428G>C, p.Arg476Ser (NM_001112808.3, NM_001199327.2); short protein forms R476S, R375S.
Identifiers: ClinVar variation 1438688 (VCV001438688.6), dbSNP rs1224893543, ClinGen allele CA340784413.